The following is an entry in ClinVar:

NM_005751.5(AKAP9):c.5761G>C (p.Glu1921Gln)

Gene: AKAP9 (A-kinase anchoring protein 9; plus strand). Cytogenetic location: 7q21.2.
Variant type: single nucleotide variant.
Coding change: c.5761G>C on transcript NM_005751.5 (MANE Select); coding-DNA position 5761, G replaced by C.
Protein change: p.Glu1921Gln; replaces glutamic acid 1921 with glutamine.
Molecular consequence: missense variant.
Genome position (GRCh38, 1-based): chr7:92,061,419, G>C. VCF-style: chr7-92061419-G-C. GRCh37 (hg19) VCF-style: chr7-91690733-G-C.
Other names: c.406G>C, p.Glu136Gln (NM_001379277.1); c.5761G>C, p.Glu1921Gln (NM_147185.3); short protein forms E1921Q, E136Q.
Identifiers: ClinVar variation 1482600 (VCV001482600.6), dbSNP rs2130821673, ClinGen allele CA368131789.
Genomic context (GRCh38, chr7:92,061,419, plus strand): 5'-GAGCGCCTTCATGAGGAGTCCAGGGCCAGAGAACAGCTAGCTGTGGAGCTCAGTAAGGCT[G>C]AGGGTGAGCAATTTGCCATTGACAACTAAGGGTAGAGAAATTTCAGTCTTAAAATAGAGA-3'
Protein context (NP_005742.4, residues 1911-1931): EQLAVELSKA[Glu1921Gln]GVIDGYADEK

ClinVar aggregate classification (germline): Uncertain significance (1 of 4 stars; one submission).

Conditions:
Long QT syndrome (LQTS). Identifiers: MedGen C0023976, MeSH D008133, MONDO:0002442. Disease mechanism: loss of function. Inheritance: Various modes of inheritance.

Submission:

Labcorp Genetics (formerly Invitae), Labcorp
Classification: Uncertain significance for Long QT syndrome. Last evaluated: 2021-12-11. Review status: criteria provided, single submitter. Criteria: Invitae Variant Classification Sherloc (09022015). Collection method: clinical testing. Allele origin: germline.
Comment: In summary, the available evidence is currently insufficient to determine the role of this variant in disease. Therefore, it has been classified as a Variant of Uncertain Significance. Algorithms developed to predict the effect of missense changes on protein structure and function are either unavailable or do not agree on the potential impact of this missense change (SIFT: "Tolerated"; PolyPhen-2: "Probably Damaging"; Align-GVGD: "Class C0"). This variant has not been reported in the literature in individuals affected with AKAP9-related conditions. This variant is not present in population databases (gnomAD no frequency). This sequence change replaces glutamic acid, which is acidic and polar, with glutamine, which is neutral and polar, at codon 1921 of the AKAP9 protein (p.Glu1921Gln).